The following is an entry in ClinVar:

ClinVar aggregate classification (germline): Uncertain significance (1 of 4 stars; one submission).

Conditions:
Inborn genetic diseases. Identifiers: MedGen C0950123, MeSH D030342.

Submission:

Ambry Genetics
Classification: Uncertain significance for Inborn genetic diseases. Last evaluated: 2023-01-22. Review status: criteria provided, single submitter. Criteria: Ambry Variant Classification Scheme 2023. Collection method: clinical testing. Allele origin: germline.
Comment: The p.L1067W variant (also known as c.3200T>G), located in coding exon 20 of the PIK3CA gene, results from a T to G substitution at nucleotide position 3200. The leucine at codon 1067 is replaced by tryptophan, an amino acid with similar properties. This amino acid position is conserved. In addition, this alteration is predicted to be tolerated by in silico analysis. Since supporting evidence is limited at this time, the clinical significance of this alteration remains unclear.

NM_006218.4(PIK3CA):c.3200T>G (p.Leu1067Trp)

Gene: PIK3CA (phosphatidylinositol-4,5-bisphosphate 3-kinase catalytic subunit alpha; plus strand). Cytogenetic location: 3q26.32.
Variant type: single nucleotide variant.
Coding change: c.3200T>G on transcript NM_006218.4 (MANE Select); coding-DNA position 3200, T replaced by G.
Protein change: p.Leu1067Trp; replaces leucine 1067 with tryptophan.
Molecular consequence: missense variant.
Genome position (GRCh38, 1-based): chr3:179,234,357, T>G. VCF-style: chr3-179234357-T-G. GRCh37 (hg19) VCF-style: chr3-178952145-T-G.
Other names: short protein forms L1067W.
Identifiers: ClinVar variation 2453450 (VCV002453450.2), dbSNP rs2108430148, ClinGen allele CA355286064.